The following is an entry in ClinVar:

NM_004656.4(BAP1):c.2047G>C (p.Ala683Pro)

Gene: BAP1 (BRCA1 associated deubiquitinase 1; minus strand). Cytogenetic location: 3p21.1.
Variant type: single nucleotide variant.
Coding change: c.2047G>C on transcript NM_004656.4 (MANE Select); coding-DNA position 2047, G replaced by C.
Protein change: p.Ala683Pro; replaces alanine 683 with proline.
Molecular consequence: missense variant.
Genome position (GRCh38, 1-based): chr3:52,402,611, C>G on the plus strand (G>C on the coding strand, the complement: BAP1 is on the minus strand). VCF-style: chr3-52402611-C-G. GRCh37 (hg19) VCF-style: chr3-52436627-C-G.
Other names: short protein forms A683P.
Identifiers: ClinVar variation 1510735 (VCV001510735.6), dbSNP rs2153226182, ClinGen allele CA353096140.
Genomic context (GRCh38, chr3:52,402,611, plus strand): 5'-ACACGGCCCTCAGCAGGGCATTCCAGTTAAGACAGCAGCGCATCCCCTCACCTTCCTGAG[C>G]CAGCATGGAGATAAAGGTGCAGATGAACTCATCGTAGTTGTGGGTCCTTCTCTGGTCATC-3'
Protein context (NP_004647.1, residues 673-693): EFICTFISML[Ala683Pro]QEGMLANLVE

ClinVar aggregate classification (germline): Uncertain significance (1 of 4 stars; one submission).

Conditions:
BAP1-related tumor predisposition syndrome (TPDS1). Also called: COMMON Syndrome; TUMOR PREDISPOSITION SYNDROME 1; Tumor susceptibility linked to germline BAP1 mutations; BAP1 tumor predisposition syndrome. Identifiers: Orphanet 289539, MedGen C3280492, MONDO:0013692, OMIM 614327.

Submission:

Labcorp Genetics (formerly Invitae), Labcorp
Classification: Uncertain significance for BAP1-related tumor predisposition syndrome. Last evaluated: 2021-08-06. Review status: criteria provided, single submitter. Criteria: Invitae Variant Classification Sherloc (09022015). Collection method: clinical testing. Allele origin: germline.
Comment: This sequence change replaces alanine with proline at codon 683 of the BAP1 protein (p.Ala683Pro). The alanine residue is highly conserved and there is a small physicochemical difference between alanine and proline. This variant is not present in population databases (ExAC no frequency). This variant has not been reported in the literature in individuals affected with BAP1-related conditions. Algorithms developed to predict the effect of missense changes on protein structure and function are either unavailable or do not agree on the potential impact of this missense change (SIFT: "Deleterious"; PolyPhen-2: "Benign"; Align-GVGD: "Class C25"). In summary, the available evidence is currently insufficient to determine the role of this variant in disease. Therefore, it has been classified as a Variant of Uncertain Significance.